The following is an entry in ClinVar:

ClinVar aggregate classification (germline): Uncertain significance. Review status: criteria provided, multiple submitters, no conflicts (2 of 4 stars). 2 submissions from 2 submitters: Uncertain significance (2). Last evaluated 2024-10-07.

Conditions:
Hereditary cancer-predisposing syndrome. Also called: Hereditary neoplastic syndrome; Neoplastic Syndromes, Hereditary; Tumor predisposition; Hereditary Cancer Syndrome. Identifiers: Orphanet 140162, MedGen C0027672, MeSH D009386, MONDO:0015356.
Neuroblastoma, susceptibility to, 3. Also called: ALK-Related Neuroblastic Tumor Susceptibility. Identifiers: Orphanet 635, MedGen C2751681, MONDO:0013083, OMIM 613014.

Allele frequency attached by ClinVar (database versions not stated): TOPMed 0.00001.
gnomAD v4.1: 7 of 1,614,212 alleles (0.00043%); highest among the groups gnomAD compares: Admixed American, 0.0017%; no homozygotes.

Submissions (2):

Labcorp Genetics (formerly Invitae), Labcorp
Classification: Uncertain significance for Neuroblastoma, susceptibility to, 3. Last evaluated: 2024-10-07. Review status: criteria provided, single submitter. Criteria: Invitae Variant Classification Sherloc (09022015). Collection method: clinical testing. Allele origin: germline.
Comment: This sequence change replaces phenylalanine, which is neutral and non-polar, with leucine, which is neutral and non-polar, at codon 1577 of the ALK protein (p.Phe1577Leu). This variant is present in population databases (rs200829376, gnomAD 0.006%). This variant has not been reported in the literature in individuals affected with ALK-related conditions. ClinVar contains an entry for this variant (Variation ID: 1001771). An algorithm developed to predict the effect of missense changes on protein structure and function (PolyPhen-2) suggests that this variant is likely to be disruptive. In summary, the available evidence is currently insufficient to determine the role of this variant in disease. Therefore, it has been classified as a Variant of Uncertain Significance.

Ambry Genetics
Classification: Uncertain significance for Hereditary cancer-predisposing syndrome. Last evaluated: 2024-04-08. Review status: criteria provided, single submitter. Criteria: Ambry Variant Classification Scheme 2023. Collection method: clinical testing. Allele origin: germline.
Comment: The p.F1577L variant (also known as c.4729T>C), located in coding exon 29 of the ALK gene, results from a T to C substitution at nucleotide position 4729. The phenylalanine at codon 1577 is replaced by leucine, an amino acid with highly similar properties. This amino acid position is conserved. In addition, this alteration is predicted to be tolerated by in silico analysis. Since supporting evidence is limited at this time, the clinical significance of this alteration remains unclear.

NM_004304.5(ALK):c.4729T>C (p.Phe1577Leu)

Gene: ALK (ALK receptor tyrosine kinase; minus strand). Cytogenetic location: 2p23.2.
Variant type: single nucleotide variant.
Coding change: c.4729T>C on transcript NM_004304.5 (MANE Select); coding-DNA position 4729, T replaced by C.
Protein change: p.Phe1577Leu; replaces phenylalanine 1577 with leucine.
Molecular consequence: missense variant.
Genome position (GRCh38, 1-based): chr2:29,193,358, A>G on the plus strand (T>C on the coding strand, the complement: ALK is on the minus strand). VCF-style: chr2-29193358-A-G. GRCh37 (hg19) VCF-style: chr2-29416224-A-G.
Other names: c.1525T>C, p.Phe509Leu (NM_001353765.2); short protein forms F1577L, F509L.
Identifiers: ClinVar variation 1001771 (VCV001001771.12), dbSNP rs200829376, ClinGen allele CA1593500.
Genomic context (GRCh38, chr2:29,193,358, plus strand): 5'-TAGCGGCTTCTAAGGGCAAGCCCTGTTGCTGGTAGCCGTAATTGACATTCCCACAAGGGA[A>G]GTGACGTAGCCTGAACAGAGGTACCTCCTTCATATTGGCAGTCAGCGAAGAGGGCTCTAG-3'
Protein context (NP_004295.2, residues 1567-1587): KEVPLFRLRH[Phe1577Leu]PCGNVNYGYQ